The following is an entry in ClinVar:

ClinVar aggregate classification (germline): Uncertain significance (1 of 4 stars; one submission).

Submission:

Labcorp Genetics (formerly Invitae), Labcorp
Classification: Uncertain significance. Last evaluated: 2021-05-14. Review status: criteria provided, single submitter. Criteria: Invitae Variant Classification Sherloc (09022015). Collection method: clinical testing. Allele origin: germline.
Comment: In summary, the available evidence is currently insufficient to determine the role of this variant in disease. Therefore, it has been classified as a Variant of Uncertain Significance. Algorithms developed to predict the effect of missense changes on protein structure and function are either unavailable or do not agree on the potential impact of this missense change (SIFT: "Tolerated"; PolyPhen-2: "Possibly Damaging"; Align-GVGD: "Class C0"). This variant has not been reported in the literature in individuals with CEP152-related conditions. This variant is not present in population databases (ExAC no frequency). This sequence change replaces leucine with valine at codon 1425 of the CEP152 protein (p.Leu1425Val). The leucine residue is moderately conserved and there is a small physicochemical difference between leucine and valine.

NM_001194998.2(CEP152):c.4441C>G (p.Leu1481Val)

Gene: CEP152 (centrosomal protein 152; minus strand). Cytogenetic location: 15q21.1.
Variant type: single nucleotide variant.
Coding change: c.4441C>G on transcript NM_001194998.2 (MANE Select); coding-DNA position 4441, C replaced by G.
Protein change: p.Leu1481Val; replaces leucine 1481 with valine.
Molecular consequence: missense variant.
Genome position (GRCh38, 1-based): chr15:48,738,941, G>C on the plus strand (C>G on the coding strand, the complement: CEP152 is on the minus strand). VCF-style: chr15-48738941-G-C. GRCh37 (hg19) VCF-style: chr15-49031138-G-C.
Other names: c.4273C>G, p.Leu1425Val (NM_014985.4); short protein forms L1481V, L1425V.
Identifiers: ClinVar variation 1351773 (VCV001351773.8), dbSNP rs2140543872, ClinGen allele CA392334610.